The following is an entry in ClinVar:

ClinVar aggregate classification (germline): Pathogenic (1 of 4 stars; one submission).

Conditions:
Nemaline myopathy 2 (NEM2). Also called: Nemaline myopathy 2, autosomal recessive. Identifiers: MedGen C1850569, MONDO:0009725, OMIM 256030.

Submission:

3billion
Classification: Pathogenic for Nemaline myopathy 2. Last evaluated: 2024-04-15. Review status: criteria provided, single submitter. Criteria: ACMG Guidelines, 2015. Collection method: clinical testing. Allele origin: germline. Affected: yes.
Comment: The variant is not observed in the gnomAD v4.0.0 dataset. Predicted Consequence/Location: Frameshift: predicted to result in a loss or disruption of normal protein function through nonsense-mediated decay (NMD) or protein truncation. Multiple pathogenic variants are reported downstream of the variant. The variant has been reported to be associated with NEB related disorder (PMID: 27363342). Therefore, this variant is classified as Pathogenic according to the recommendation of ACMG/AMP guideline.

Literature cited by the submitters: PubMed 27363342.

NM_001164508.2(NEB):c.22839del (p.Lys7613fs)

Genes: NEB (nebulin; minus strand), RIF1 (replication timing regulatory factor 1; plus strand). Cytogenetic location: 2q23.3.
Variant type: Deletion.
Coding change: c.22839del on transcript NM_001164508.2 (MANE Select); coding-DNA position 22839, one base deleted (A; older notation c.22839delA).
Protein change: p.Lys7613fs; shifts the reading frame from lysine 7613.
Molecular consequence: frameshift variant.
Genome position (GRCh38, 1-based): chr2:151,516,525, T deleted on the plus strand (A on the coding strand, the reverse complement: NEB is on the minus strand); the first of 4 consecutive T bases (chr2:151,516,525-151,516,528); deleting any one gives the same sequence. VCF-style (leftmost placement, unchanged base first): chr2-151516524-GT-G. GRCh37 (hg19) VCF-style: chr2-152373038-GT-G.
Other names: c.22839del, p.Lys7613fs (NM_001164507.2); c.22944del, p.Lys7648fs (NM_001271208.2); c.17736del, p.Lys5912fs (NM_004543.5); short protein forms K5912fs, K7613fs, K7648fs.
Identifiers: ClinVar variation 3775943 (VCV003775943.1).